The following is an entry in ClinVar:

ClinVar aggregate classification (germline): Uncertain significance. Review status: criteria provided, multiple submitters, no conflicts (2 of 4 stars). 2 submissions from 2 submitters: Uncertain significance (2). Last evaluated 2025-09-01.

Conditions:
MHC class II deficiency. Also called: Bare lymphocyte syndrome 2; BLS, TYPE II. Identifiers: Orphanet 572, MedGen C5447452, MONDO:0008855.

Allele frequency attached by ClinVar (database versions not stated): 1000 Genomes Project 0.00020; gnomAD exomes 0.00002; ExAC 0.00003; gnomAD 0.00003; 1000 Genomes Project 30x 0.00016.

Submissions (2):

Ambry Genetics
Classification: Uncertain significance. Last evaluated: 2025-09-01. Review status: criteria provided, single submitter. Criteria: Ambry Variant Classification Scheme 2023. Collection method: clinical testing. Allele origin: germline.

Labcorp Genetics (formerly Invitae), Labcorp
Classification: Uncertain significance for MHC class II deficiency. Last evaluated: 2023-12-11. Review status: criteria provided, single submitter. Criteria: Invitae Variant Classification Sherloc (09022015). Collection method: clinical testing. Allele origin: germline.
Comment: This sequence change replaces threonine, which is neutral and polar, with alanine, which is neutral and non-polar, at codon 106 of the RFX5 protein (p.Thr106Ala). This variant is present in population databases (rs200850573, gnomAD 0.05%). This variant has not been reported in the literature in individuals affected with RFX5-related conditions. ClinVar contains an entry for this variant (Variation ID: 2194557). An algorithm developed to predict the effect of missense changes on protein structure and function (PolyPhen-2) suggests that this variant is likely to be disruptive. In summary, the available evidence is currently insufficient to determine the role of this variant in disease. Therefore, it has been classified as a Variant of Uncertain Significance.

NM_001025603.2(RFX5):c.316A>G (p.Thr106Ala)

Gene: RFX5 (regulatory factor X5; minus strand). Cytogenetic location: 1q21.3.
Variant type: single nucleotide variant.
Coding change: c.316A>G on transcript NM_001025603.2 (MANE Select); coding-DNA position 316, A replaced by G.
Protein change: p.Thr106Ala; replaces threonine 106 with alanine.
Molecular consequence: missense variant. On other transcripts: intron variant (2).
Genome position (GRCh38, 1-based): chr1:151,344,765, T>C on the plus strand (A>G on the coding strand, the complement: RFX5 is on the minus strand). VCF-style: chr1-151344765-T-C. GRCh37 (hg19) VCF-style: chr1-151317241-T-C.
Other names: c.316A>G, p.Thr106Ala (NM_000449.4, NM_001379412.1, NM_001379413.1 and 5 more transcripts); c.234-229A>G (NM_001379419.1, NM_001379420.1); short protein forms T106A.
Identifiers: ClinVar variation 2194557 (VCV002194557.4), dbSNP rs200850573, ClinGen allele CA1089876.
Genomic context (GRCh38, chr1:151,344,765, plus strand): 5'-CCACCACCCACCCCTCCACCCACCGATAGGCATCATAAACACTTTGCTTTGGCAGACAGG[T>C]GTCAGTGTGCTCTTCCAGGTGGTTGCGGATCCACCTATAGGCATACATGTACTCCTCATT-3'
Protein context (NP_001020774.1, residues 96-116): IRNHLEEHTD[Thr106Ala]CLPKQSVYDA